The following is an entry in ClinVar:

NM_002691.4(POLD1):c.1243-10T>C

Gene: POLD1 (DNA polymerase delta 1, catalytic subunit; plus strand). Cytogenetic location: 19q13.33.
Variant type: single nucleotide variant.
Coding change: c.1243-10T>C on transcript NM_002691.4 (MANE Select); 10 bases into the intron before coding-DNA position 1243, T replaced by C.
Molecular consequence: intron variant.
Genome position (GRCh38, 1-based): chr19:50,406,172, T>C. VCF-style: chr19-50406172-T-C. GRCh37 (hg19) VCF-style: chr19-50909429-T-C.
Other names: c.1243-10T>C (NM_001256849.1, NM_001308632.1).
Identifiers: ClinVar variation 745223 (VCV000745223.11), dbSNP rs1601215093, ClinGen allele CA915951931.

ClinVar aggregate classification (germline): Likely benign. Review status: criteria provided, multiple submitters, no conflicts (2 of 4 stars). 2 submissions from 2 submitters: Likely benign (2). Last evaluated 2025-03-05.

Conditions:
POLD1-related polyposis and colorectal cancer syndrome (CRCS10). Also called: Colorectal cancer, susceptibility to, 10; Colorectal cancer 10; COLORECTAL CANCER, SUSCEPTIBILITY TO, ON CHROMOSOME 19q. Identifiers: Orphanet 220460, MedGen C2675481, MONDO:0012953, OMIM 612591.

Submissions (2):

Labcorp Genetics (formerly Invitae), Labcorp
Classification: Likely benign for POLD1-related polyposis and colorectal cancer syndrome. Last evaluated: 2025-03-05. Review status: criteria provided, single submitter. Criteria: Invitae Variant Classification Sherloc (09022015). Collection method: clinical testing. Allele origin: germline.

Myriad Genetics, Inc.
Classification: Likely benign for POLD1-related polyposis and colorectal cancer syndrome. Last evaluated: 2025-02-06. Review status: criteria provided, single submitter. Criteria: Myriad Autosomal Dominant, Autosomal Recessive and X-Linked Classification Criteria (2023). Collection method: clinical testing. Allele origin: unknown.
Comment: This variant is considered likely benign. This variant is intronic and is not expected to impact mRNA splicing.